The following is an entry in ClinVar:

ClinVar aggregate classification (germline): Uncertain significance (1 of 4 stars; one submission).

Conditions:
Mucopolysaccharidosis, MPS-III-B (MPS3B). Also called: N-ACETYL-ALPHA-D-GLUCOSAMINIDASE DEFICIENCY; NAGLU DEFICIENCY; SANFILIPPO SYNDROME B; MPS III B; MPS IIIB (Sanfilippo Syndrome Type B); MUCOPOLYSACCHARIDOSIS, TYPE IIIB. Identifiers: Orphanet 79270, MedGen C0086648, MONDO:0009656, OMIM 252920.
Charcot-Marie-Tooth disease axonal type 2V. Also called: CHARCOT-MARIE-TOOTH NEUROPATHY, TYPE 2V; CHARCOT-MARIE-TOOTH DISEASE, AXONAL, AUTOSOMAL DOMINANT, TYPE 2V. Identifiers: Orphanet 447964, MedGen C5569050, MONDO:0014665, OMIM 616491.

Allele frequency attached by ClinVar (database versions not stated): gnomAD exomes below 0.00001.
gnomAD v4.1: 2 of 1,614,006 alleles (0.00012%); highest among the groups gnomAD compares: Non-Finnish European, 0.00017%; no homozygotes.

Submissions (2):

Labcorp Genetics (formerly Invitae), Labcorp
Classification: Uncertain significance for Charcot-Marie-Tooth disease axonal type 2V; Mucopolysaccharidosis, MPS-III-B. Last evaluated: 2021-12-21. Review status: criteria provided, single submitter. Criteria: Invitae Variant Classification Sherloc (09022015). Collection method: clinical testing. Allele origin: germline.
Comment: This sequence change replaces isoleucine, which is neutral and non-polar, with phenylalanine, which is neutral and non-polar, at codon 690 of the NAGLU protein (p.Ile690Phe). This variant is present in population databases (no rsID available, gnomAD no frequency). This variant has not been reported in the literature in individuals affected with NAGLU-related conditions. Advanced modeling of protein sequence and biophysical properties (such as structural, functional, and spatial information, amino acid conservation, physicochemical variation, residue mobility, and thermodynamic stability) performed at Invitae indicates that this missense variant is not expected to disrupt NAGLU protein function. In summary, the available evidence is currently insufficient to determine the role of this variant in disease. Therefore, it has been classified as a Variant of Uncertain Significance.

Dr. Peter K. Rogan Lab, Western University
No classification provided (evidence only). Condition: Clear cell carcinoma of kidney. Review status: no classification provided. Collection method: in vitro. Allele origin: not applicable. Functional consequence: retained intron. Not counted in ClinVar's aggregate classification.

NM_000263.4(NAGLU):c.2068A>T (p.Ile690Phe)

Gene: NAGLU (N-acetyl-alpha-glucosaminidase; plus strand). Cytogenetic location: 17q21.2.
Variant type: single nucleotide variant.
Coding change: c.2068A>T on transcript NM_000263.4 (MANE Select); coding-DNA position 2068, A replaced by T.
Protein change: p.Ile690Phe; replaces isoleucine 690 with phenylalanine.
Molecular consequence: missense variant.
Genome position (GRCh38, 1-based): chr17:42,544,074, A>T. VCF-style: chr17-42544074-A-T. GRCh37 (hg19) VCF-style: chr17-40696092-A-T.
Other names: short protein forms I690F.
Identifiers: ClinVar variation 1498301 (VCV001498301.4), dbSNP rs143906118, ClinGen allele CA399606074.
Genomic context (GRCh38, chr17:42,544,074, plus strand): 5'-TACTACACCCCTCGCTGGCGGCTTTTCCTGGAGGCGCTGGTTGACAGTGTGGCCCAGGGC[A>T]TCCCTTTCCAACAGCACCAGTTTGACAAAAATGTCTTCCAACTGGAGCAGGCCTTCGTTC-3'
Protein context (NP_000254.2, residues 680-700): EALVDSVAQG[Ile690Phe]PFQQHQFDKN